The following is an entry in ClinVar:

ClinVar aggregate classification (germline): Conflicting classifications of pathogenicity. Review status: criteria provided, conflicting classifications (1 of 4 stars). 2 submissions from 2 submitters: Uncertain significance (1); Likely benign (1). Last evaluated 2025-11-17.

Conditions:
Cobalamin C disease. Also called: Methylmalonic aciduria and homocystinuria, Vitamin B12-responsive; Vitamin B12 metabolic defect with combined deficiency of methylmalonyl-CoA mutase and homocysteine:methyltetrahydrofolate methyltransferase; methylmalonic aciduria and homocystinuria type cblC; Cobalamin-C methylmalonic acidemia and homocystinuria; Methylmalonic acidemia and homocystinuria cblC type; Methylmalonic aciduria with homocystinuria cblC type. Identifiers: Orphanet 26, Orphanet 79282, MedGen C1848561, MONDO:0010184, OMIM 277400.

Allele frequency attached by ClinVar (database versions not stated): ExAC 0.00002; gnomAD 0.00007; TOPMed 0.00008; 1000 Genomes Project 30x 0.00016; 1000 Genomes Project 0.00020.
gnomAD v4.1: 14 of 1,612,318 alleles (0.00087%); highest among the groups gnomAD compares: African/African-American, 0.019%; no homozygotes.

Submissions (2):

Women's Health and Genetics/Laboratory Corporation of America, LabCorp
Classification: Uncertain significance. Last evaluated: 2025-11-17. Review status: criteria provided, single submitter. Criteria: LabCorp Variant Classification Summary - May 2015. Collection method: clinical testing. Allele origin: germline.
Comment: Variant summary: MMACHC c.430-10C>A alters a nucleotide located at a position not widely known to affect splicing. Several computational tools predict a significant impact on normal splicing: Three predict the variant weakens the canonical 3' acceptor site, and one predicts the variant has no significant impact on splicing. However, these predictions have yet to be confirmed by functional studies. The variant allele was found at a frequency of 1.2e-05 in 246500 control chromosomes. The available data on variant occurrences in the general population are insufficient to allow any conclusion about variant significance. To our knowledge, no occurrence of c.430-10C>A in individuals affected with MMACHC-related conditions and no experimental evidence demonstrating its impact on protein function have been reported. ClinVar contains an entry for this variant (Variation ID: 2057952). Based on the evidence outlined above, the variant was classified as uncertain significance.

Labcorp Genetics (formerly Invitae), Labcorp
Classification: Likely benign for Cobalamin C disease. Last evaluated: 2024-02-25. Review status: criteria provided, single submitter. Criteria: Invitae Variant Classification Sherloc (09022015). Collection method: clinical testing. Allele origin: germline.

NM_015506.3(MMACHC):c.430-10C>A

Gene: MMACHC (metabolism of cobalamin associated C; plus strand). Cytogenetic location: 1p34.1.
Variant type: single nucleotide variant.
Coding change: c.430-10C>A on transcript NM_015506.3 (MANE Select); 10 bases into the intron before coding-DNA position 430, C replaced by A.
Molecular consequence: intron variant.
Genome position (GRCh38, 1-based): chr1:45,508,786, C>A. VCF-style: chr1-45508786-C-A. GRCh37 (hg19) VCF-style: chr1-45974458-C-A.
Other names: c.259-10C>A (NM_001330540.2).
Identifiers: ClinVar variation 2057952 (VCV002057952.5), dbSNP rs550692873, ClinGen allele CA827748.
Genomic context (GRCh38, chr1:45,508,786, plus strand): 5'-TGCAATGATGGCAGTTGACTTGGTGCCAAGGGGACCTCCATGACCTTGCTTTTCTTCACC[C>A]TCTCCCCAGCGCATATCAGGTGTGTGCATACACCCCCGATTTGGGGGCTGGTTTGCCATC-3'